The following is an entry in ClinVar:

NM_001354604.2(MITF):c.1050G>A (p.Lys350=)

Gene: MITF (melanocyte inducing transcription factor; plus strand). Cytogenetic location: 3p13.
Variant type: single nucleotide variant.
Coding change: c.1050G>A on transcript NM_001354604.2 (MANE Select); coding-DNA position 1050, G replaced by A.
Protein change: p.Lys350=; no amino-acid change (lysine 350 retained).
Molecular consequence: synonymous variant.
Genome position (GRCh38, 1-based): chr3:69,959,291, G>A. VCF-style: chr3-69959291-G-A. GRCh37 (hg19) VCF-style: chr3-70008442-G-A.
Other names: c.729G>A, p.Lys243= (NM_000248.4); c.876G>A, p.Lys292= (NM_001184967.2, NM_001354608.2); c.1047G>A, p.Lys349= (NM_001354605.2); c.1029G>A, p.Lys343= (NM_001354606.2, NM_006722.3); c.981G>A, p.Lys327= (NM_001354607.2); c.711G>A, p.Lys237= (NM_198158.3); c.1032G>A, p.Lys344= (NM_198159.3); c.984G>A, p.Lys328= (NM_198177.3); and 1 more.
Identifiers: ClinVar variation 504773 (VCV000504773.12), dbSNP rs201348324, ClinGen allele CA2490563.

ClinVar aggregate classification (germline): Likely benign. Review status: criteria provided, multiple submitters, no conflicts (2 of 4 stars). 5 submissions from 5 submitters: Likely benign (4). 1 of the submissions does not count toward it. Last evaluated 2026-01-28.

Conditions:
MITF-related disorder. Also called: MITF-related condition.
Tietz syndrome (TADS). Also called: TIETZ ALBINISM-DEAFNESS SYNDROME; ALBINISM-DEAFNESS OF TIETZ; HYPOPIGMENTATION/DEAFNESS OF TIETZ. Identifiers: Orphanet 42665, MedGen C0391816, MONDO:0007077, OMIM 103500.
Melanoma, cutaneous malignant, susceptibility to, 8. Also called: Cutaneous malignant melanoma 8; MELANOMA AND RENAL CELL CARCINOMA, SUSCEPTIBILITY TO. Identifiers: Orphanet 293822, MedGen C3152204, MONDO:0013759, OMIM 614456.
Waardenburg syndrome type 2A (WS2A). Also called: WAARDENBURG SYNDROME WITHOUT DYSTOPIA CANTHORUM. Identifiers: Orphanet 3440, MedGen C1860339, MONDO:0008671, OMIM 193510.
Hereditary cancer-predisposing syndrome. Also called: Neoplastic Syndromes, Hereditary; Hereditary Cancer Syndrome; Tumor predisposition; Hereditary neoplastic syndrome. Identifiers: Orphanet 140162, MedGen C0027672, MeSH D009386, MONDO:0015356.

Allele frequency attached by ClinVar (database versions not stated): gnomAD below 0.00001 and 0.00003; gnomAD exomes 0.00001 and 0.00002; TOPMed 0.00001; ExAC 0.00002; 1000 Genomes Project 30x 0.00031; 1000 Genomes Project 0.00040.
gnomAD v4.1: 28 of 1,614,092 alleles (0.0017%); highest among the groups gnomAD compares: South Asian, 0.016%; no homozygotes.

Submissions (5):

Labcorp Genetics (formerly Invitae), Labcorp
Classification: Likely benign for Melanoma, cutaneous malignant, susceptibility to, 8; Waardenburg syndrome type 2A; Tietz syndrome. Last evaluated: 2026-01-28. Review status: criteria provided, single submitter. Criteria: Invitae Variant Classification Sherloc (09022015). Collection method: clinical testing. Allele origin: germline.

Ambry Genetics
Classification: Likely benign for Hereditary cancer-predisposing syndrome. Last evaluated: 2025-03-10. Review status: criteria provided, single submitter. Criteria: Ambry Variant Classification Scheme 2023. Collection method: clinical testing. Allele origin: germline.

GeneDx
Classification: Likely benign. Last evaluated: 2021-01-26. Review status: criteria provided, single submitter. Criteria: GeneDx Variant Classification Process June 2021. Collection method: clinical testing. Allele origin: germline. Affected: yes.

Laboratory for Molecular Medicine, Mass General Brigham Personalized Medicine
Classification: Likely benign. Last evaluated: 2017-08-30. Review status: criteria provided, single submitter. Criteria: LMM Criteria. Collection method: clinical testing. Allele origin: germline. Observed: 1 variant allele.
Comment: p.Lys344Lys in exon 9 of MITF: This variant is not expected to have clinical sig nificance because it does not alter an amino acid residue and is not located wit hin the splice consensus sequence. It has been identified in 4/30766 South Asian chromosomes by the Genome Aggregation Database (gnomAD; dbSNP rs201348324).

PreventionGenetics, part of Exact Sciences
Classification: Likely benign for MITF-related condition. Last evaluated: 2020-08-26. Review status: no assertion criteria provided. Collection method: clinical testing. Allele origin: germline. Not counted in ClinVar's aggregate classification.
Comment: This variant is classified as likely benign based on ACMG/AMP sequence variant interpretation guidelines (Richards et al. 2015 PMID: 25741868, with internal and published modifications).